The following is an entry in ClinVar:

NM_032444.4(SLX4):c.1945G>A (p.Gly649Ser)

Gene: SLX4 (SLX4 structure-specific endonuclease subunit; minus strand). Cytogenetic location: 16p13.3.
Variant type: single nucleotide variant.
Coding change: c.1945G>A on transcript NM_032444.4 (MANE Select); coding-DNA position 1945, G replaced by A.
Protein change: p.Gly649Ser; replaces glycine 649 with serine.
Molecular consequence: missense variant.
Genome position (GRCh38, 1-based): chr16:3,595,673, C>T on the plus strand (G>A on the coding strand, the complement: SLX4 is on the minus strand). VCF-style: chr16-3595673-C-T. GRCh37 (hg19) VCF-style: chr16-3645674-C-T.
Other names: c.1945G>A (NM_032444.3, LRG_503t1); short protein forms G649S.
Identifiers: ClinVar variation 526415 (VCV000526415.13), dbSNP rs780269002, ClinGen allele CA7866354.
Genomic context (GRCh38, chr16:3,595,673, plus strand): 5'-GGCCGCCCCTGTCCGGGTGCTTGTCCTGCGATGGCACCACAAACCCAGTCAGAGGAAGGC[C>T]GCCGGGCACCACGTCCAACCCTGAGTGGAGGATTCACAGGTTAAAGGAACGTCACAGCCC-3'
Protein context (NP_115820.2, residues 639-659): GTAGLDVVPG[Gly649Ser]LPLTGFVVPS

ClinVar aggregate classification (germline): Uncertain significance. Review status: criteria provided, multiple submitters, no conflicts (2 of 4 stars). 5 submissions from 5 submitters: Uncertain significance (5). Last evaluated 2026-07-27.

Conditions:
Fanconi anemia complementation group P. Also called: SLX4-Related Fanconi Anemia. Identifiers: Orphanet 84, MedGen C3469542, MONDO:0013499, OMIM 613951.
Fanconi anemia (FA). Also called: Fanconi's anemia. Identifiers: Orphanet 84, MedGen C0015625, MeSH D005199, MONDO:0019391.
SLX4-related disorder. Also called: SLX4-related condition.

Allele frequency attached by ClinVar (database versions not stated): ExAC 0.00004; gnomAD 0.00004 and 0.00005; TOPMed 0.00004; gnomAD exomes 0.00007.

Submissions (5):

PreventionGenetics, part of Exact Sciences
Classification: Uncertain significance for SLX4-related condition. Last evaluated: 2026-07-27. Review status: criteria provided, single submitter. Criteria: ACMG Guidelines, 2015. Collection method: clinical testing. Allele origin: germline.
Comment: The SLX4 c.1945G>A variant is predicted to result in the amino acid substitution p.Gly649Ser. To our knowledge, this variant has not been reported in the literature. This variant is reported in 0.023% of alleles in individuals of Latino descent in gnomAD. At this time, the clinical significance of this variant is uncertain due to the absence of conclusive functional and genetic evidence.

Dasa
Classification: Uncertain significance. Last evaluated: 2025-06-27. Review status: criteria provided, single submitter. Criteria: DASA Assertion Criteria. Collection method: clinical testing. Allele origin: germline.
Comment: NM_032444.4(SLX4):c.1945G>A (p.Gly649Ser) is a missense variant that results in the substitution of glycine with serine. This variant is rare in population databases. Computational prediction algorithms are consistent with a benign effect. The currently available literature and clinical evidence are not sufficient to establish a definitive association between this variant and the reported condition. Therefore, this variant is classified as a variant of uncertain significance.

Labcorp Genetics (formerly Invitae), Labcorp
Classification: Uncertain significance for Fanconi anemia. Last evaluated: 2024-11-28. Review status: criteria provided, single submitter. Criteria: Invitae Variant Classification Sherloc (09022015). Collection method: clinical testing. Allele origin: germline.
Comment: This sequence change replaces glycine, which is neutral and non-polar, with serine, which is neutral and polar, at codon 649 of the SLX4 protein (p.Gly649Ser). This variant is present in population databases (rs780269002, gnomAD 0.02%). This variant has not been reported in the literature in individuals affected with SLX4-related conditions. ClinVar contains an entry for this variant (Variation ID: 526415). An algorithm developed to predict the effect of missense changes on protein structure and function outputs the following: PolyPhen-2: "Benign". The serine amino acid residue is found in multiple mammalian species, which suggests that this missense change does not adversely affect protein function. In summary, the available evidence is currently insufficient to determine the role of this variant in disease. Therefore, it has been classified as a Variant of Uncertain Significance.

Women's Health and Genetics/Laboratory Corporation of America, LabCorp
Classification: Uncertain significance. Last evaluated: 2024-10-02. Review status: criteria provided, single submitter. Criteria: LabCorp Variant Classification Summary - May 2015. Collection method: clinical testing. Allele origin: germline.
Comment: Variant summary: SLX4 c.1945G>A (p.Gly649Ser) results in a non-conservative amino acid change in the encoded protein sequence. Four of five in-silico tools predict a benign effect of the variant on protein function. The variant allele was found at a frequency of 7.2e-05 in 250664 control chromosomes (gnomAD). This frequency is not significantly higher than estimated for a pathogenic variant in SLX4 causing Fanconi Anemia, allowing no conclusion about variant significance. To our knowledge, no occurrence of c.1945G>A in individuals affected with Fanconi Anemia and no experimental evidence demonstrating its impact on protein function have been reported. ClinVar contains an entry for this variant (Variation ID: 526415). Based on the evidence outlined above, the variant was classified as uncertain significance.

Fulgent Genetics
Classification: Uncertain significance for Fanconi anemia complementation group P. Last evaluated: 2024-03-06. Review status: criteria provided, single submitter. Criteria: ACMG Guidelines, 2015. Collection method: clinical testing. Allele origin: germline.